The following is an entry in ClinVar:

NM_003114.5(SPAG1):c.419T>C (p.Val140Ala)

Genes: SPAG1 (sperm associated antigen 1; plus strand), VPS13B (vacuolar protein sorting 13 homolog B; plus strand). Cytogenetic location: 8q22.2.
Variant type: single nucleotide variant.
Coding change: c.419T>C on transcript NM_003114.5 (MANE Select); coding-DNA position 419, T replaced by C.
Protein change: p.Val140Ala; replaces valine 140 with alanine.
Molecular consequence: missense variant.
Genome position (GRCh38, 1-based): chr8:100,177,934, T>C. VCF-style: chr8-100177934-T-C. GRCh37 (hg19) VCF-style: chr8-101190162-T-C.
Other names: c.419T>C, p.Val140Ala (NM_001374321.1, NM_172218.3); short protein forms V140A.
Identifiers: ClinVar variation 541530 (VCV000541530.7), dbSNP rs895776124, ClinGen allele CA182361471.

ClinVar aggregate classification (germline): Conflicting classifications of pathogenicity. Review status: criteria provided, conflicting classifications (1 of 4 stars). 3 submissions from 3 submitters: Uncertain significance (2); Likely benign (1). Last evaluated 2026-02-04.

Conditions:
VPS13B-related disorder. Also called: VPS13B-related condition.
Primary ciliary dyskinesia 28. Also called: CILIARY DYSKINESIA, PRIMARY, 28, WITH OR WITHOUT SITUS INVERSUS. Identifiers: Orphanet 244, MedGen C3809706, MONDO:0014216, OMIM 615505.
Primary ciliary dyskinesia. Also called: Ciliary dyskinesia. Identifiers: Orphanet 244, MedGen C0008780, MONDO:0016575, HP:0012265.

Allele frequency attached by ClinVar (database versions not stated): gnomAD exomes 0.00001; gnomAD 0.00002 and 0.00038; TOPMed 0.00056.

Submissions (3):

PreventionGenetics, part of Exact Sciences
Classification: Likely benign for VPS13B-related condition. Last evaluated: 2026-02-04. Review status: criteria provided, single submitter. Criteria: ACMG Guidelines, 2015. Collection method: clinical testing. Allele origin: germline.
Comment: This variant is classified as likely benign based on ACMG/AMP sequence variant interpretation guidelines (Richards et al. 2015 PMID: 25741868, with internal and published modifications).

Ambry Genetics
Classification: Uncertain significance for Primary ciliary dyskinesia. Last evaluated: 2025-06-10. Review status: criteria provided, single submitter. Criteria: Ambry Variant Classification Scheme 2023. Collection method: clinical testing. Allele origin: germline.

Labcorp Genetics (formerly Invitae), Labcorp
Classification: Uncertain significance for Primary ciliary dyskinesia 28. Last evaluated: 2021-12-06. Review status: criteria provided, single submitter. Criteria: Invitae Variant Classification Sherloc (09022015). Collection method: clinical testing. Allele origin: germline.
Comment: This sequence change replaces valine, which is neutral and non-polar, with alanine, which is neutral and non-polar, at codon 140 of the SPAG1 protein (p.Val140Ala). This variant is present in population databases (no rsID available, gnomAD 0.003%). This variant has not been reported in the literature in individuals affected with SPAG1-related conditions. ClinVar contains an entry for this variant (Variation ID: 541530). Algorithms developed to predict the effect of missense changes on protein structure and function output the following: SIFT: "Tolerated"; PolyPhen-2: "Benign"; Align-GVGD: "Class C0". The alanine amino acid residue is found in multiple mammalian species, which suggests that this missense change does not adversely affect protein function. In summary, the available evidence is currently insufficient to determine the role of this variant in disease. Therefore, it has been classified as a Variant of Uncertain Significance.